The following is an entry in ClinVar:

NM_000382.3(ALDH3A2):c.824A>T (p.Glu275Val)

Gene: ALDH3A2 (aldehyde dehydrogenase 3 family member A2; plus strand). Cytogenetic location: 17p11.2.
Variant type: single nucleotide variant.
Coding change: c.824A>T on transcript NM_000382.3 (MANE Select); coding-DNA position 824, A replaced by T.
Protein change: p.Glu275Val; replaces glutamic acid 275 with valine.
Molecular consequence: missense variant.
Genome position (GRCh38, 1-based): chr17:19,661,152, A>T. VCF-style: chr17-19661152-A-T. GRCh37 (hg19) VCF-style: chr17-19564465-A-T.
Other names: c.824A>T, p.Glu275Val (NM_001031806.2, NM_001369136.1, NM_001369137.2 and 3 more transcripts); c.245A>T, p.Glu82Val (NM_001369148.2); short protein forms E275V, E82V.
Identifiers: ClinVar variation 1362839 (VCV001362839.5), dbSNP rs1379222692, ClinGen allele CA398709107.

ClinVar aggregate classification (germline): Uncertain significance (1 of 4 stars; one submission).

Allele frequency attached by ClinVar (database versions not stated): gnomAD exomes below 0.00001.

Submission:

Labcorp Genetics (formerly Invitae), Labcorp
Classification: Uncertain significance. Last evaluated: 2022-06-20. Review status: criteria provided, single submitter. Criteria: Invitae Variant Classification Sherloc (09022015). Collection method: clinical testing. Allele origin: germline.
Comment: This sequence change replaces glutamic acid, which is acidic and polar, with valine, which is neutral and non-polar, at codon 275 of the ALDH3A2 protein (p.Glu275Val). This variant is present in population databases (no rsID available, gnomAD 0.0009%). This variant has not been reported in the literature in individuals affected with ALDH3A2-related conditions. Advanced modeling of protein sequence and biophysical properties (such as structural, functional, and spatial information, amino acid conservation, physicochemical variation, residue mobility, and thermodynamic stability) performed at Invitae indicates that this missense variant is not expected to disrupt ALDH3A2 protein function. In summary, the available evidence is currently insufficient to determine the role of this variant in disease. Therefore, it has been classified as a Variant of Uncertain Significance.